The following is an entry in ClinVar:

NM_001298.3(CNGA3):c.1641C>T (p.Phe547=)

Gene: CNGA3 (cyclic nucleotide gated channel subunit alpha 3; plus strand). Cytogenetic location: 2q11.2.
Variant type: single nucleotide variant.
Coding change: c.1641C>T on transcript NM_001298.3 (MANE Select); coding-DNA position 1641, C replaced by T.
Protein change: p.Phe547=; no amino-acid change (phenylalanine 547 retained).
Molecular consequence: synonymous variant.
Genome position (GRCh38, 1-based): chr2:98,396,811, C>T. VCF-style: chr2-98396811-C-T. GRCh37 (hg19) VCF-style: chr2-99013274-C-T.
Other names: c.1587C>T, p.Phe529= (NM_001079878.2); c.1641C>T (NM_001298.2).
Identifiers: ClinVar variation 1119703 (VCV001119703.12), dbSNP rs104893617, ClinGen allele CA1794057.

ClinVar aggregate classification (germline): Likely benign. Review status: criteria provided, multiple submitters, no conflicts (2 of 4 stars). 3 submissions from 3 submitters: Likely benign (2). 1 of the submissions does not count toward it. Last evaluated 2025-04-28.

Conditions:
CNGA3-related disorder. Also called: CNGA3-related condition.

Allele frequency attached by ClinVar (database versions not stated): 1000 Genomes Project 30x 0.00031; 1000 Genomes Project 0.00040.
gnomAD v4.1: 38 of 1,614,144 alleles (0.0024%); highest among the groups gnomAD compares: African/African-American, 0.043%; no homozygotes.

Submissions (3):

Labcorp Genetics (formerly Invitae), Labcorp
Classification: Likely benign. Last evaluated: 2025-04-28. Review status: criteria provided, single submitter. Criteria: Invitae Variant Classification Sherloc (09022015). Collection method: clinical testing. Allele origin: germline.

Blueprint Genetics
Classification: Likely benign. Last evaluated: 2024-09-12. Review status: criteria provided, single submitter. Criteria: ACMG Guidelines, 2015. Collection method: clinical testing. Allele origin: germline.

PreventionGenetics, part of Exact Sciences
Classification: Likely benign for CNGA3-related condition. Last evaluated: 2019-08-29. Review status: no assertion criteria provided. Collection method: clinical testing. Allele origin: germline. Not counted in ClinVar's aggregate classification.
Comment: This variant is classified as likely benign based on ACMG/AMP sequence variant interpretation guidelines (Richards et al. 2015 PMID: 25741868, with internal and published modifications).